The following is an entry in ClinVar:

NM_002497.4(NEK2):c.692G>A (p.Gly231Asp)

Gene: NEK2 (NIMA related kinase 2; minus strand). Cytogenetic location: 1q32.3.
Variant type: single nucleotide variant.
Coding change: c.692G>A on transcript NM_002497.4 (MANE Select); coding-DNA position 692, G replaced by A.
Protein change: p.Gly231Asp; replaces glycine 231 with aspartic acid.
Molecular consequence: missense variant.
Genome position (GRCh38, 1-based): chr1:211,670,354, C>T on the plus strand (G>A on the coding strand, the complement: NEK2 is on the minus strand). VCF-style: chr1-211670354-C-T. GRCh37 (hg19) VCF-style: chr1-211843696-C-T.
Other names: c.692G>A, p.Gly231Asp (NM_001204182.2, NM_001204183.2); short protein forms G231D.
Identifiers: ClinVar variation 4779301 (VCV004779301.1).

ClinVar aggregate classification (germline): Uncertain significance (1 of 4 stars; one submission).

Submission:

Labcorp Genetics (formerly Invitae), Labcorp
Classification: Uncertain significance. Last evaluated: 2025-10-04. Review status: criteria provided, single submitter. Criteria: Invitae Variant Classification Sherloc (09022015). Collection method: clinical testing. Allele origin: germline.
Comment: This sequence change replaces glycine, which is neutral and non-polar, with aspartic acid, which is acidic and polar, at codon 231 of the NEK2 protein (p.Gly231Asp). This variant is not present in population databases (gnomAD no frequency). This variant has not been reported in the literature in individuals affected with NEK2-related conditions. An algorithm developed to predict the effect of missense changes on protein structure and function (PolyPhen-2) suggests that this variant is likely to be disruptive. In summary, the available evidence is currently insufficient to determine the role of this variant in disease. Therefore, it has been classified as a Variant of Uncertain Significance.